The following is an entry in ClinVar:

ClinVar aggregate classification (germline): Pathogenic (1 of 4 stars; one submission).

Conditions:
Primary ciliary dyskinesia 3. Identifiers: Orphanet 244, MedGen C1837618, MONDO:0012085, OMIM 608644.

Submission:

Myriad Genetics, Inc.
Classification: Pathogenic for Primary ciliary dyskinesia 3. Last evaluated: 2024-05-14. Review status: criteria provided, single submitter. Criteria: Myriad Autosomal Dominant, Autosomal Recessive and X-Linked Classification Criteria (2023). Collection method: clinical testing. Allele origin: unknown.
Comment: NM_001369.2(DNAH5):c.12130_12131ins13(P4044Rfs*68) is expected to be pathogenic in the context of primary ciliary dyskinesia, DNAH5-related. This variant is predicted to lead to an abnormal or absent protein product due to the creation of a premature termination codon in DNAH5, a gene where loss-of-function variants are known to be pathogenic. Please note: this variant was assessed in the context of healthy population screening.

NM_001369.3(DNAH5):c.12130_12131insGTGCTGCTGAGTG (p.Pro4044fs)

Gene: DNAH5 (dynein axonemal heavy chain 5; minus strand). Cytogenetic location: 5p15.2.
Variant type: Insertion.
Coding change: c.12130_12131insGTGCTGCTGAGTG on transcript NM_001369.3 (MANE Select); coding-DNA positions 12130 to 12131, GTGCTGCTGAGTG inserted.
Protein change: p.Pro4044fs; shifts the reading frame from proline 4044.
Molecular consequence: frameshift variant.
Genome position: GRCh38 VCF-style: chr5-13721148-G-GCACTCAGCAGCAC. GRCh37 (hg19) VCF-style: chr5-13721257-G-GCACTCAGCAGCAC.
Other names: short protein forms P4044fs.
Identifiers: ClinVar variation 5016409 (VCV005016409.1).
Genomic context (GRCh38, chr5:13,721,148, plus strand): 5'-TTCCCCAAGGCAATGATGGAATCTGTGGGGTCTGAGCCCATAGACAGGAGACAGATGAGT[G>GCACTCAGCAGCAC]GCGTCCGTGGATCAGATTCCTCCCACGTCTTCTCCAAGTCTAAAATAACACCTTCGGCAT-3'